The following is an entry in ClinVar:

NM_000091.5(COL4A3):c.3725G>A (p.Gly1242Asp)

Genes: COL4A3 (collagen type IV alpha 3 chain; plus strand), MFF-DT (MFF divergent transcript; minus strand). Cytogenetic location: 2q36.3.
Variant type: single nucleotide variant.
Coding change: c.3725G>A on transcript NM_000091.5 (MANE Select); coding-DNA position 3725, G replaced by A.
Protein change: p.Gly1242Asp; replaces glycine 1242 with aspartic acid.
Molecular consequence: missense variant.
Genome position (GRCh38, 1-based): chr2:227,297,833, G>A. VCF-style: chr2-227297833-G-A. GRCh37 (hg19) VCF-style: chr2-228162549-G-A.
Other names: short protein forms G1242D.
Identifiers: ClinVar variation 4082186 (VCV004082186.2).

ClinVar aggregate classification (germline): Conflicting classifications of pathogenicity. Review status: criteria provided, conflicting classifications (1 of 4 stars). 2 submissions from 2 submitters: Likely pathogenic (1); Uncertain significance (1). Last evaluated 2026-05-20.

Conditions:
Hematuria. Identifiers: MedGen C0018965, HP:0000790.
Alport syndrome 3b, autosomal recessive. Identifiers: MedGen C5882699, MONDO:0957811, OMIM 620536.

Submissions (2):

Genetics Laboratory, Great Ormond Street Hospital NHS Foundation Trust, North Thames Genomic Laboratory Hub
Classification: Likely pathogenic for Haematuria. Last evaluated: 2026-05-20. Review status: criteria provided, single submitter. Criteria: ACGS Best Practice Guidelines for Variant Classification in Rare Disease 2024 v1.2. Collection method: clinical testing. Allele origin: germline. Affected: yes.
Comment: PM2_moderate, PP3_supporting, PM1_strong, PM3_supporting

Kasturba Medical College, Manipal, Kasturba Medical College, Manipal, Manipal Academy of Higher Education, Manipal, India
Classification: Uncertain significance for Alport syndrome 3b, autosomal recessive. Review status: criteria provided, single submitter. Criteria: ACMG Guidelines, 2015. Collection method: research. Allele origin: biparental. Inheritance: Autosomal recessive inheritance. Affected: yes.
Comment: This variant is observed in one individual in heterozygous state in the gnomAD (v4.1.0) population database and absent in our in-house data of 3748 exomes. This variant in homozygous state has been reported in an individual with Alport syndrome (Hou P et al., 2007). This variant leads to substitution of glycine residue, which likely interrupts the characteristic triple Gly-X-Y repeats in the collagenous domain in the α3(IV) chain and reduced stability of the complex. This variant is interpreted to be the possible cause of the Alport syndrome in proband.

Literature cited by the submitters: PubMed 17726307 (cited by Kasturba Medical College, Manipal, Kasturba Medical College, Manipal, Manipal Academy of Higher Education, Manipal, India).